The following is an entry in ClinVar:

NM_001184.4(ATR):c.34A>G (p.Ile12Val)

Genes: ATR (ATR checkpoint kinase; minus strand), LOC129937703 (ATAC-STARR-seq lymphoblastoid active region 20643; plus strand). Cytogenetic location: 3q23.
Variant type: single nucleotide variant.
Coding change: c.34A>G on transcript NM_001184.4 (MANE Select); coding-DNA position 34, A replaced by G.
Protein change: p.Ile12Val; replaces isoleucine 12 with valine.
Molecular consequence: missense variant.
Genome position (GRCh38, 1-based): chr3:142,578,671, T>C on the plus strand (A>G on the coding strand, the complement: ATR is on the minus strand). VCF-style: chr3-142578671-T-C. GRCh37 (hg19) VCF-style: chr3-142297513-T-C.
Other names: c.34A>G, p.Ile12Val (NM_001354579.2); c.34A>G (NM_001184.3); short protein forms I12V.
Identifiers: ClinVar variation 1510107 (VCV001510107.7), dbSNP rs1476227295, ClinGen allele CA354795761.
Genomic context (GRCh38, chr3:142,578,671, plus strand): 5'-GGAGGATGCAGGACCCAGGCTGGGCCTAGCCCTACCTGCCCAGCTCCCGCAGGGCGGGGA[T>C]CATGGAAGCCAGCTCCAGGCCATGTTCCCCCATGCTGAGGCTGCGAGGCACTAGTCAACC-3'
Protein context (NP_001175.2, residues 2-22): GEHGLELASM[Ile12Val]PALRELGSAT

ClinVar aggregate classification (germline): Uncertain significance. Review status: criteria provided, multiple submitters, no conflicts (2 of 4 stars). 2 submissions from 2 submitters: Uncertain significance (2). Last evaluated 2024-01-13.

Conditions:
Inborn genetic diseases. Identifiers: MedGen C0950123, MeSH D030342.

Allele frequency attached by ClinVar (database versions not stated): gnomAD exomes below 0.00001.
gnomAD v4.1: 4 of 1,613,352 alleles (0.00025%); highest among the groups gnomAD compares: Non-Finnish European, 0.00025%; no homozygotes.

Submissions (2):

Ambry Genetics
Classification: Uncertain significance for Inborn genetic diseases. Last evaluated: 2024-01-13. Review status: criteria provided, single submitter. Criteria: Ambry Variant Classification Scheme 2023. Collection method: clinical testing. Allele origin: germline.
Comment: The p.I12V variant (also known as c.34A>G), located in coding exon 1 of the ATR gene, results from an A to G substitution at nucleotide position 34. The isoleucine at codon 12 is replaced by valine, an amino acid with highly similar properties. This amino acid position is conserved. In addition, this alteration is predicted to be tolerated by in silico analysis. Since supporting evidence is limited at this time, the clinical significance of this alteration remains unclear.

Labcorp Genetics (formerly Invitae), Labcorp
Classification: Uncertain significance. Last evaluated: 2021-08-02. Review status: criteria provided, single submitter. Criteria: Invitae Variant Classification Sherloc (09022015). Collection method: clinical testing. Allele origin: germline.
Comment: This sequence change replaces isoleucine with valine at codon 12 of the ATR protein (p.Ile12Val). The isoleucine residue is moderately conserved and there is a small physicochemical difference between isoleucine and valine. This variant is not present in population databases (ExAC no frequency). This variant has not been reported in the literature in individuals affected with ATR-related conditions. Algorithms developed to predict the effect of missense changes on protein structure and function are either unavailable or do not agree on the potential impact of this missense change (SIFT: "Tolerated"; PolyPhen-2: "Probably Damaging"; Align-GVGD: "Class C0"). In summary, the available evidence is currently insufficient to determine the role of this variant in disease. Therefore, it has been classified as a Variant of Uncertain Significance.